The following is an entry in ClinVar:

ClinVar aggregate classification (germline): Uncertain significance (1 of 4 stars; one submission).

Conditions:
PLXNA4-related disorder. Also called: PLXNA4-related condition.

Allele frequency attached by ClinVar (database versions not stated): ExAC 0.00001; TOPMed 0.00001.

Submission:

PreventionGenetics, part of Exact Sciences
Classification: Uncertain significance for PLXNA4-related condition. Last evaluated: 2025-06-20. Review status: criteria provided, single submitter. Criteria: ACMG Guidelines, 2015. Collection method: clinical testing. Allele origin: germline.
Comment: The PLXNA4 c.649G>A variant is predicted to result in the amino acid substitution p.Val217Ile. To our knowledge, this variant has not been reported in the literature. This variant is reported in 0.0015% of alleles in individuals of European (non-Finnish) descent in gnomAD. At this time, the clinical significance of this variant is uncertain due to the absence of conclusive functional and genetic evidence.

NM_020911.2(PLXNA4):c.649G>A (p.Val217Ile)

Gene: PLXNA4 (plexin A4; minus strand). Cytogenetic location: 7q32.3.
Variant type: single nucleotide variant.
Coding change: c.649G>A on transcript NM_020911.2 (MANE Select); coding-DNA position 649, G replaced by A.
Protein change: p.Val217Ile; replaces valine 217 with isoleucine.
Molecular consequence: missense variant.
Genome position (GRCh38, 1-based): chr7:132,508,045, C>T on the plus strand (G>A on the coding strand, the complement: PLXNA4 is on the minus strand). VCF-style: chr7-132508045-C-T. GRCh37 (hg19) VCF-style: chr7-132192804-C-T.
Other names: c.649G>A, p.Val217Ile (NM_001105543.2, NM_001393897.1, NM_181775.4); short protein forms V217I.
Identifiers: ClinVar variation 3049591 (VCV003049591.3), dbSNP rs762527511, ClinGen allele CA4490461.